The following is an entry in ClinVar:

ClinVar aggregate classification (germline): Uncertain significance (1 of 4 stars; one submission).

Conditions:
Catecholaminergic polymorphic ventricular tachycardia 1. Also called: VENTRICULAR TACHYCARDIA, STRESS-INDUCED POLYMORPHIC 1; RYR2-Related Catecholaminergic Polymorphic Ventricular Tachycardia; VENTRICULAR TACHYCARDIA, CATECHOLAMINERGIC POLYMORPHIC, 1, WITH OR WITHOUT ATRIAL DYSFUNCTION AND/OR DILATED CARDIOMYOPATHY. Identifiers: Orphanet 3286, MedGen C1631597, MONDO:0011484, OMIM 604772.

gnomAD v4.1: 1 of 1,613,108 alleles (0.000062%); highest among the groups gnomAD compares: Non-Finnish European, 0.000085%; no homozygotes.

Submission:

Labcorp Genetics (formerly Invitae), Labcorp
Classification: Uncertain significance for Catecholaminergic polymorphic ventricular tachycardia 1. Last evaluated: 2025-10-23. Review status: criteria provided, single submitter. Criteria: Invitae Variant Classification Sherloc (09022015). Collection method: clinical testing. Allele origin: germline.
Comment: This sequence change affects an acceptor splice site in intron 25 of the RYR2 gene. It is expected to disrupt RNA splicing. Variants that disrupt the donor or acceptor splice site typically lead to a loss of protein function (PMID: 16199547), however the current clinical and genetic evidence is not sufficient to establish whether loss-of-function variants in RYR2 cause disease. This variant is not present in population databases (gnomAD no frequency). This variant has not been reported in the literature in individuals affected with RYR2-related conditions. Algorithms developed to predict the effect of sequence changes on RNA splicing suggest that this variant may disrupt the consensus splice site. In summary, the available evidence is currently insufficient to determine the role of this variant in disease. Therefore, it has been classified as a Variant of Uncertain Significance.

Literature cited by the submitters: PubMed 16199547.

NM_001035.3(RYR2):c.2907-2A>G

Gene: RYR2 (ryanodine receptor 2; plus strand). Cytogenetic location: 1q43.
Variant type: single nucleotide variant.
Coding change: c.2907-2A>G on transcript NM_001035.3 (MANE Select); the canonical splice acceptor site of the intron before coding-DNA position 2907, A replaced by G.
Molecular consequence: splice acceptor variant.
Genome position (GRCh38, 1-based): chr1:237,548,429, A>G. VCF-style: chr1-237548429-A-G. GRCh37 (hg19) VCF-style: chr1-237711729-A-G.
Identifiers: ClinVar variation 4777776 (VCV004777776.1).